The following is an entry in ClinVar:

ClinVar aggregate classification (germline): Uncertain significance (1 of 4 stars; one submission).

Conditions:
GRIN2D-related disorder. Also called: GRIN2D-related condition.

gnomAD v4.1: 3 of 1,122,566 alleles (0.00027%); highest among the groups gnomAD compares: Non-Finnish European, 0.00033%; no homozygotes.

Submission:

PreventionGenetics, part of Exact Sciences
Classification: Uncertain significance for GRIN2D-related condition. Last evaluated: 2025-11-26. Review status: criteria provided, single submitter. Criteria: ACMG Guidelines, 2015. Collection method: clinical testing. Allele origin: germline.
Comment: The GRIN2D c.2795T>C variant is predicted to result in the amino acid substitution p.Phe932Ser. To our knowledge, this variant has not been reported in the literature. This variant is reported in 0.0074% of alleles in individuals of European (Non-Finnish) descent in gnomAD. At this time, the clinical significance of this variant is uncertain due to the absence of conclusive functional and genetic evidence.

NM_000836.4(GRIN2D):c.2795T>C (p.Phe932Ser)

Gene: GRIN2D (glutamate ionotropic receptor NMDA type subunit 2D; plus strand). Cytogenetic location: 19q13.33.
Variant type: single nucleotide variant.
Coding change: c.2795T>C on transcript NM_000836.4 (MANE Select); coding-DNA position 2795, T replaced by C.
Protein change: p.Phe932Ser; replaces phenylalanine 932 with serine.
Molecular consequence: missense variant.
Genome position (GRCh38, 1-based): chr19:48,442,721, T>C. VCF-style: chr19-48442721-T-C. GRCh37 (hg19) VCF-style: chr19-48945978-T-C.
Other names: short protein forms F932S.
Identifiers: ClinVar variation 4991131 (VCV004991131.1).